The following is an entry in ClinVar:

NM_020937.4(FANCM):c.5174A>G (p.Asn1725Ser)

Gene: FANCM (FA complementation group M; plus strand). Cytogenetic location: 14q21.2.
Variant type: single nucleotide variant.
Coding change: c.5174A>G on transcript NM_020937.4 (MANE Select); coding-DNA position 5174, A replaced by G.
Protein change: p.Asn1725Ser; replaces asparagine 1725 with serine.
Molecular consequence: missense variant.
Genome position (GRCh38, 1-based): chr14:45,189,196, A>G. VCF-style: chr14-45189196-A-G. GRCh37 (hg19) VCF-style: chr14-45658399-A-G.
Other names: c.5096A>G, p.Asn1699Ser (NM_001308133.2); c.5174A>G (NM_020937.3, NM_020937.2); short protein forms N1699S, N1725S.
Identifiers: ClinVar variation 1010123 (VCV001010123.10), dbSNP rs765200148, ClinGen allele CA7169922.

ClinVar aggregate classification (germline): Uncertain significance. Review status: criteria provided, multiple submitters, no conflicts (2 of 4 stars). 3 submissions from 3 submitters: Uncertain significance (2). 1 of the submissions does not count toward it. Last evaluated 2025-05-31.

Conditions:
Fanconi anemia (FA). Also called: Fanconi's anemia. Identifiers: Orphanet 84, MedGen C0015625, MeSH D005199, MONDO:0019391.
FANCM-related disorder. Also called: FANCM-related condition.
Inborn genetic diseases. Identifiers: MedGen C0950123, MeSH D030342.

Allele frequency attached by ClinVar (database versions not stated): TOPMed below 0.00001; ExAC 0.00001; gnomAD exomes 0.00001 and 0.00002.
gnomAD v4.1: 3 of 1,614,158 alleles (0.00019%); highest among the groups gnomAD compares: Admixed American, 0.005%; no homozygotes.

Submissions (3):

Ambry Genetics
Classification: Uncertain significance for Inborn genetic diseases. Last evaluated: 2025-05-31. Review status: criteria provided, single submitter. Criteria: Ambry Variant Classification Scheme 2023. Collection method: clinical testing. Allele origin: germline.
Comment: The p.N1725S variant (also known as c.5174A>G), located in coding exon 20 of the FANCM gene, results from an A to G substitution at nucleotide position 5174. The asparagine at codon 1725 is replaced by serine, an amino acid with highly similar properties. This amino acid position is conserved. In addition, this alteration is predicted to be tolerated by in silico analysis. Based on the available evidence, the clinical significance of this variant remains unclear.

Labcorp Genetics (formerly Invitae), Labcorp
Classification: Uncertain significance for Fanconi anemia. Last evaluated: 2020-04-14. Review status: criteria provided, single submitter. Criteria: Invitae Variant Classification Sherloc (09022015). Collection method: clinical testing. Allele origin: germline.
Comment: In summary, the available evidence is currently insufficient to determine the role of this variant in disease. Therefore, it has been classified as a Variant of Uncertain Significance. Algorithms developed to predict the effect of missense changes on protein structure and function output the following: SIFT: "Tolerated"; PolyPhen-2: "Benign"; Align-GVGD: "Class C0". The serine amino acid residue is found in multiple mammalian species, suggesting that this missense change does not adversely affect protein function. These predictions have not been confirmed by published functional studies and their clinical significance is uncertain. This variant has not been reported in the literature in individuals with FANCM-related conditions. This variant is present in population databases (rs765200148, ExAC 0.009%). This sequence change replaces asparagine with serine at codon 1725 of the FANCM protein (p.Asn1725Ser). The asparagine residue is weakly conserved and there is a small physicochemical difference between asparagine and serine.

PreventionGenetics, part of Exact Sciences
Classification: Uncertain significance for FANCM-related condition. Last evaluated: 2024-06-25. Review status: no assertion criteria provided. Collection method: clinical testing. Allele origin: germline. Not counted in ClinVar's aggregate classification.
Comment: The FANCM c.5174A>G variant is predicted to result in the amino acid substitution p.Asn1725Ser. To our knowledge, this variant has not been reported in the literature. This variant is reported in 0.012% of alleles in individuals of Latino descent in gnomAD. At this time, the clinical significance of this variant is uncertain due to the absence of conclusive functional and genetic evidence.